The following is an entry in ClinVar:

ClinVar aggregate classification (germline): Likely pathogenic (1 of 4 stars; one submission).

Submission:

Labcorp Genetics (formerly Invitae), Labcorp
Classification: Likely pathogenic. Last evaluated: 2023-01-31. Review status: criteria provided, single submitter. Criteria: Invitae Variant Classification Sherloc (09022015). Collection method: clinical testing. Allele origin: germline.
Comment: This sequence change affects a donor splice site in intron 32 of the ATP8A2 gene. It is expected to disrupt RNA splicing. Variants that disrupt the donor or acceptor splice site typically lead to a loss of protein function (PMID: 16199547), and loss-of-function variants in ATP8A2 are known to be pathogenic (PMID: 28454995, 29531481). This variant is not present in population databases (gnomAD no frequency). This variant has not been reported in the literature in individuals affected with ATP8A2-related conditions. Algorithms developed to predict the effect of sequence changes on RNA splicing suggest that this variant may disrupt the consensus splice site. In summary, the currently available evidence indicates that the variant is pathogenic, but additional data are needed to prove that conclusively. Therefore, this variant has been classified as Likely Pathogenic.

Literature cited by the submitters: PubMed 16199547; PubMed 28454995; PubMed 29531481.

NM_016529.6(ATP8A2):c.3075+1G>A

Gene: ATP8A2 (ATPase phospholipid transporting 8A2). Cytogenetic location: 13q12.13.
Variant type: single nucleotide variant.
Coding change: c.3075+1G>A on transcript NM_016529.6 (MANE Select); the canonical splice donor site of the intron after coding-DNA position 3075, G replaced by A.
Molecular consequence: splice donor variant.
Genome position (GRCh38, 1-based): chr13:25,860,861, G>A. VCF-style: chr13-25860861-G-A. GRCh37 (hg19) VCF-style: chr13-26434999-G-A.
Other names: c.3000+1G>A (NM_001411005.1); c.3075+1G>A (NM_001411006.1); c.2880+1G>A (NM_001313741.1).
Identifiers: ClinVar variation 2833294 (VCV002833294.3), dbSNP rs2542625853, ClinGen allele CA387684263.